The following is an entry in ClinVar:

NM_004006.3(DMD):c.1762A>G (p.Thr588Ala)

Gene: DMD (dystrophin; minus strand). Cytogenetic location: Xp21.1.
Variant type: single nucleotide variant.
Coding change: c.1762A>G on transcript NM_004006.3 (MANE Select); coding-DNA position 1762, A replaced by G.
Protein change: p.Thr588Ala; replaces threonine 588 with alanine.
Molecular consequence: missense variant.
Genome position (GRCh38, 1-based): chrX:32,573,580, T>C on the plus strand (A>G on the coding strand, the complement: DMD is on the minus strand). VCF-style: chrX-32573580-T-C. GRCh37 (hg19) VCF-style: chrX-32591697-T-C.
Other names: c.1738A>G, p.Thr580Ala (NM_000109.4); c.1750A>G, p.Thr584Ala (NM_004009.3); c.1393A>G, p.Thr465Ala (NM_004010.3); c.1762A>G (NM_004006.2); short protein forms T588A, T580A, T584A, T465A.
Identifiers: ClinVar variation 598679 (VCV000598679.14), dbSNP rs1569229278, ClinGen allele CA412673175.

ClinVar aggregate classification (germline): Uncertain significance. Review status: criteria provided, multiple submitters, no conflicts (2 of 4 stars). 3 submissions from 3 submitters: Uncertain significance (3). Last evaluated 2026-04-23.

Conditions:
Cardiovascular phenotype. Identifiers: MedGen CN230736.
Duchenne muscular dystrophy (DMD). Also called: MUSCULAR DYSTROPHY, PSEUDOHYPERTROPHIC PROGRESSIVE, DUCHENNE TYPE; Duchenne Muscular Dystrophy (DMD). Identifiers: Orphanet 98896, MedGen C0013264, MONDO:0010679, OMIM 310200.

Allele frequency attached by ClinVar (database versions not stated): gnomAD exomes below 0.00001.
gnomAD v4.1: 1 of 1,212,061 alleles (0.000083%); highest among the groups gnomAD compares: Non-Finnish European, 0.00011%; no homozygotes.

Submissions (3):

Ambry Genetics
Classification: Uncertain significance for Cardiovascular phenotype. Last evaluated: 2026-04-23. Review status: criteria provided, single submitter. Criteria: Ambry Variant Classification Scheme 2023. Collection method: clinical testing. Allele origin: germline.

Labcorp Genetics (formerly Invitae), Labcorp
Classification: Uncertain significance for Duchenne muscular dystrophy. Last evaluated: 2025-08-18. Review status: criteria provided, single submitter. Criteria: Invitae Variant Classification Sherloc (09022015). Collection method: clinical testing. Allele origin: germline.
Comment: This sequence change replaces threonine, which is neutral and polar, with alanine, which is neutral and non-polar, at codon 588 of the DMD protein (p.Thr588Ala). This variant is not present in population databases (gnomAD no frequency). This variant has not been reported in the literature in individuals affected with DMD-related conditions. ClinVar contains an entry for this variant (Variation ID: 598679). Invitae Evidence Modeling of protein sequence and biophysical properties (such as structural, functional, and spatial information, amino acid conservation, physicochemical variation, residue mobility, and thermodynamic stability) indicates that this missense variant is not expected to disrupt DMD protein function with a negative predictive value of 95%. In summary, the available evidence is currently insufficient to determine the role of this variant in disease. Therefore, it has been classified as a Variant of Uncertain Significance.

Eurofins Ntd Llc (ga)
Classification: Uncertain significance. Last evaluated: 2018-09-12. Review status: criteria provided, single submitter. Criteria: EGL ClinVar v180209 classification definitions. Collection method: clinical testing. Allele origin: germline. Observed: 1 variant allele, 1 heterozygote.